The following is an entry in ClinVar:

NM_177438.3(DICER1):c.1063A>C (p.Ile355Leu)

Gene: DICER1 (dicer 1, ribonuclease III; minus strand). Cytogenetic location: 14q32.13.
Variant type: single nucleotide variant.
Coding change: c.1063A>C on transcript NM_177438.3 (MANE Select); coding-DNA position 1063, A replaced by C.
Protein change: p.Ile355Leu; replaces isoleucine 355 with leucine.
Molecular consequence: missense variant. On other transcripts: non-coding transcript variant (6), 5 prime UTR variant (1).
Genome position (GRCh38, 1-based): chr14:95,124,509, T>G on the plus strand (A>C on the coding strand, the complement: DICER1 is on the minus strand). VCF-style: chr14-95124509-T-G. GRCh37 (hg19) VCF-style: chr14-95590846-T-G.
Other names: c.1063A>C, p.Ile355Leu (NM_001395678.1, NM_001395679.1, NM_001395680.1 and 15 more transcripts); c.781A>C, p.Ile261Leu (NM_001395686.1); c.658A>C, p.Ile220Leu (NM_001395696.1, NM_001395687.1, NM_001395688.1 and 3 more transcripts); c.496A>C, p.Ile166Leu (NM_001395691.1); c.-506A>C (NM_001395697.1); short protein forms I220L, I261L, I166L, I355L.
Identifiers: ClinVar variation 2765201 (VCV002765201.3), dbSNP rs2543182513, ClinGen allele CA390887040.

ClinVar aggregate classification (germline): Uncertain significance (1 of 4 stars; one submission).

Conditions:
DICER1-related tumor predisposition. Also called: DICER1-related pleuropulmonary blastoma cancer predisposition syndrome; DICER1 syndrome. Identifiers: Orphanet 284343, MedGen C3839822, MONDO:0100216.

Submission:

Labcorp Genetics (formerly Invitae), Labcorp
Classification: Uncertain significance for DICER1-related tumor predisposition. Last evaluated: 2023-06-04. Review status: criteria provided, single submitter. Criteria: Invitae Variant Classification Sherloc (09022015). Collection method: clinical testing. Allele origin: germline.
Comment: In summary, the available evidence is currently insufficient to determine the role of this variant in disease. Therefore, it has been classified as a Variant of Uncertain Significance. Advanced modeling of protein sequence and biophysical properties (such as structural, functional, and spatial information, amino acid conservation, physicochemical variation, residue mobility, and thermodynamic stability) performed at Invitae indicates that this missense variant is not expected to disrupt DICER1 protein function. This variant has not been reported in the literature in individuals affected with DICER1-related conditions. This variant is not present in population databases (gnomAD no frequency). This sequence change replaces isoleucine, which is neutral and non-polar, with leucine, which is neutral and non-polar, at codon 355 of the DICER1 protein (p.Ile355Leu).